The following is an entry in ClinVar:

ClinVar aggregate classification (germline): Pathogenic (1 of 4 stars; one submission).

Conditions:
Hereditary cancer-predisposing syndrome. Also called: Hereditary Cancer Syndrome; Hereditary neoplastic syndrome; Neoplastic Syndromes, Hereditary; Tumor predisposition. Identifiers: Orphanet 140162, MedGen C0027672, MeSH D009386, MONDO:0015356.

Submission:

Ambry Genetics
Classification: Pathogenic for Hereditary cancer-predisposing syndrome. Last evaluated: 2025-04-18. Review status: criteria provided, single submitter. Criteria: Ambry Variant Classification Scheme 2023. Collection method: clinical testing. Allele origin: germline.
Comment: The c.2677delGinsAA pathogenic mutation, located in coding exon 15 of the APC gene, results from the deletion of one nucleotide and insertion of two nucleotides causing a translational frameshift with a predicted alternate stop codon (p.E893Kfs*19). This variant is considered to be rare based on population cohorts in the Genome Aggregation Database (gnomAD). This alteration is expected to result in loss of function by premature protein truncation or nonsense-mediated mRNA decay. As such, this alteration is interpreted as a disease-causing mutation.

NM_000038.6(APC):c.2677delinsAA (p.Glu893fs)

Gene: APC (APC regulator of Wnt signaling pathway; plus strand). Cytogenetic location: 5q22.2.
Variant type: Indel.
Coding change: c.2677delinsAA on transcript NM_000038.6 (MANE Select); coding-DNA position 2677, G replaced by AA.
Protein change: p.Glu893fs; shifts the reading frame from glutamic acid 893.
Molecular consequence: frameshift variant. On other transcripts: non-coding transcript variant (2).
Genome position (GRCh38, 1-based): chr5:112,838,271, G replaced by AA. VCF-style: chr5-112838271-G-AA. GRCh37 (hg19) VCF-style: chr5-112173968-G-AA.
Other names: c.2677delinsAA, p.Glu893fs (NM_001127510.3, NM_001354895.2, NM_001407450.1); c.2623delinsAA, p.Glu875fs (NM_001127511.3); c.2731delinsAA, p.Glu911fs (NM_001354896.2, NM_001407447.1, NM_001407448.1 and 1 more transcripts); c.2707delinsAA, p.Glu903fs (NM_001354897.2); c.2602delinsAA, p.Glu868fs (NM_001354898.2); c.2593delinsAA, p.Glu865fs (NM_001354899.2); c.2554delinsAA, p.Glu852fs (NM_001354900.2); c.2500delinsAA, p.Glu834fs (NM_001354901.2, NM_001407453.1); and 11 more; short protein forms E610fs, E764fs, E834fs, E865fs, E875fs, E767fs, E792fs, E802fs.
Identifiers: ClinVar variation 3928518 (VCV003928518.1).